The following is an entry in ClinVar:

NM_006662.3(SRCAP):c.4909A>G (p.Thr1637Ala)

Gene: SRCAP (Snf2 related CREBBP activator protein; plus strand). Cytogenetic location: 16p11.2.
Variant type: single nucleotide variant.
Coding change: c.4909A>G on transcript NM_006662.3 (MANE Select); coding-DNA position 4909, A replaced by G.
Protein change: p.Thr1637Ala; replaces threonine 1637 with alanine.
Molecular consequence: missense variant.
Genome position (GRCh38, 1-based): chr16:30,724,333, A>G. VCF-style: chr16-30724333-A-G. GRCh37 (hg19) VCF-style: chr16-30735654-A-G.
Other names: short protein forms T1637A.
Identifiers: ClinVar variation 1365013 (VCV001365013.8), dbSNP rs748844842, ClinGen allele CA8011856.

ClinVar aggregate classification (germline): Uncertain significance (1 of 4 stars; one submission).

Allele frequency attached by ClinVar (database versions not stated): gnomAD exomes below 0.00001; ExAC 0.00001.
gnomAD v4.1: 2 of 1,613,822 alleles (0.00012%); highest among the groups gnomAD compares: Admixed American, 0.0017%; no homozygotes.

Submission:

Labcorp Genetics (formerly Invitae), Labcorp
Classification: Uncertain significance. Last evaluated: 2024-02-24. Review status: criteria provided, single submitter. Criteria: Invitae Variant Classification Sherloc (09022015). Collection method: clinical testing. Allele origin: germline.
Comment: This sequence change replaces threonine, which is neutral and polar, with alanine, which is neutral and non-polar, at codon 1637 of the SRCAP protein (p.Thr1637Ala). This variant is present in population databases (rs748844842, gnomAD 0.003%). This variant has not been reported in the literature in individuals affected with SRCAP-related conditions. ClinVar contains an entry for this variant (Variation ID: 1365013). Advanced modeling of protein sequence and biophysical properties (such as structural, functional, and spatial information, amino acid conservation, physicochemical variation, residue mobility, and thermodynamic stability) performed at Invitae indicates that this missense variant is not expected to disrupt SRCAP protein function with a negative predictive value of 80%. In summary, the available evidence is currently insufficient to determine the role of this variant in disease. Therefore, it has been classified as a Variant of Uncertain Significance.